The following is an entry in ClinVar:

NM_000642.3(AGL):c.2458C>T (p.Gln820Ter)

Gene: AGL (amylo-alpha-1,6-glucosidase and 4-alpha-glucanotransferase; plus strand). Cytogenetic location: 1p21.2.
Variant type: single nucleotide variant.
Coding change: c.2458C>T on transcript NM_000642.3 (MANE Select); coding-DNA position 2458, C replaced by T.
Protein change: p.Gln820Ter; replaces glutamine 820 with a stop codon.
Molecular consequence: nonsense.
Genome position (GRCh38, 1-based): chr1:99,884,363, C>T. VCF-style: chr1-99884363-C-T. GRCh37 (hg19) VCF-style: chr1-100349919-C-T.
Other names: c.2458C>T, p.Gln820Ter (NM_000028.3, NM_000643.3, NM_000644.3 and 2 more transcripts); c.2410C>T, p.Gln804Ter (NM_000646.3); c.2257C>T, p.Gln753Ter (NM_001425327.1); c.2254C>T, p.Gln752Ter (NM_001425328.1, NM_001425329.1); c.2080C>T, p.Gln694Ter (NM_001425332.1); short protein forms Q820*, Q804*, Q694*, Q752*, Q753*.
Identifiers: ClinVar variation 2029199 (VCV002029199.4), dbSNP rs2524674636, ClinGen allele CA341321102.

ClinVar aggregate classification (germline): Pathogenic (1 of 4 stars; one submission).

Conditions:
Glycogen storage disease type III (GSD3). Also called: Cori disease; FORBES DISEASE. Identifiers: Orphanet 366, MedGen C0017922, MONDO:0009291, OMIM 232400.

Submission:

Labcorp Genetics (formerly Invitae), Labcorp
Classification: Pathogenic for Glycogen storage disease type III. Last evaluated: 2022-09-06. Review status: criteria provided, single submitter. Criteria: Invitae Variant Classification Sherloc (09022015). Collection method: clinical testing. Allele origin: germline.
Comment: This sequence change creates a premature translational stop signal (p.Gln820*) in the AGL gene. It is expected to result in an absent or disrupted protein product. Loss-of-function variants in AGL are known to be pathogenic (PMID: 19299494). This variant is not present in population databases (gnomAD no frequency). This variant has not been reported in the literature in individuals affected with AGL-related conditions. For these reasons, this variant has been classified as Pathogenic.

Literature cited by the submitters: PubMed 19299494.